The following is an entry in ClinVar:

ClinVar aggregate classification (germline): Uncertain significance (1 of 4 stars; one submission).

Conditions:
Hereditary cancer-predisposing syndrome. Also called: Neoplastic Syndromes, Hereditary; Hereditary neoplastic syndrome; Tumor predisposition; Hereditary Cancer Syndrome. Identifiers: Orphanet 140162, MedGen C0027672, MeSH D009386, MONDO:0015356.

Submission:

Ambry Genetics
Classification: Uncertain significance for Hereditary cancer-predisposing syndrome. Last evaluated: 2026-02-22. Review status: criteria provided, single submitter. Criteria: Ambry Variant Classification Scheme 2023. Collection method: clinical testing. Allele origin: germline.
Comment: The p.Q727P variant (also known as c.2180A>C), located in coding exon 13 of the PMS2 gene, results from an A to C substitution at nucleotide position 2180. The glutamine at codon 727 is replaced by proline, an amino acid with similar properties. This amino acid position is conserved. In addition, this alteration is predicted to be deleterious by in silico analysis. Based on the available evidence, the clinical significance of this variant remains unclear.

NM_000535.7(PMS2):c.2180A>C (p.Gln727Pro)

Gene: PMS2 (PMS1 homolog 2, mismatch repair system component; minus strand). Cytogenetic location: 7p22.1.
Variant type: single nucleotide variant.
Coding change: c.2180A>C on transcript NM_000535.7 (MANE Select); coding-DNA position 2180, A replaced by C.
Protein change: p.Gln727Pro; replaces glutamine 727 with proline.
Molecular consequence: missense variant. On other transcripts: non-coding transcript variant (1), intron variant (2).
Genome position (GRCh38, 1-based): chr7:5,978,691, T>G on the plus strand (A>C on the coding strand, the complement: PMS2 is on the minus strand). VCF-style: chr7-5978691-T-G. GRCh37 (hg19) VCF-style: chr7-6018322-T-G.
Other names: c.1871A>C, p.Gln624Pro (NM_001406880.1, NM_001406881.1, NM_001406882.1 and 5 more transcripts); c.1862A>C, p.Gln621Pro (NM_001406883.1, NM_001406876.1, NM_001322007.2 and 1 more transcripts); c.1856A>C, p.Gln619Pro (NM_001406884.1); c.1844A>C, p.Gln615Pro (NM_001406885.1); c.1814A>C, p.Gln605Pro (NM_001406886.1); c.1775A>C, p.Gln592Pro (NM_001406887.1, NM_001406888.1, NM_001406899.1 and 14 more transcripts); c.1715A>C, p.Gln572Pro (NM_001406900.1); c.1706A>C, p.Gln569Pro (NM_001406901.1, NM_001406902.1); and 16 more; short protein forms Q536P, Q569P, Q605P, Q615P, Q661P, Q691P, Q727P, Q789P.
Identifiers: ClinVar variation 4824574 (VCV004824574.1).